The following is an entry in ClinVar:

ClinVar aggregate classification (germline): Likely benign (0 of 4 stars; one submission).

Conditions:
ARL2-related condition.

gnomAD v4.1: 41 of 1,608,606 alleles (0.0025%); highest among the groups gnomAD compares: Non-Finnish European, 0.0031%; no homozygotes.

Submission:

PreventionGenetics, part of Exact Sciences
Classification: Likely benign for ARL2-related condition. Last evaluated: 2024-05-03. Review status: no assertion criteria provided. Collection method: clinical testing. Allele origin: germline.
Comment: This variant is classified as likely benign based on ACMG/AMP sequence variant interpretation guidelines (Richards et al. 2015 PMID: 25741868, with internal and published modifications).

NM_001667.4(ARL2):c.417C>T (p.Arg139=)

Genes: ARL2 (ARF like GTPase 2; plus strand), ARL2-SNX15 (ARL2-SNX15 readthrough (NMD candidate); plus strand). Cytogenetic location: 11q13.1.
Variant type: single nucleotide variant.
Coding change: c.417C>T on transcript NM_001667.4 (MANE Select); coding-DNA position 417, C replaced by T.
Protein change: p.Arg139=; no amino-acid change (arginine 139 retained).
Molecular consequence: synonymous variant. On other transcripts: intron variant (1).
Genome position (GRCh38, 1-based): chr11:65,020,496, C>T. VCF-style: chr11-65020496-C-T. GRCh37 (hg19) VCF-style: chr11-64787968-C-T.
Other names: c.340-1225C>T (NM_001199745.2).
Identifiers: ClinVar variation 3351658 (VCV003351658.1).
Genomic context (GRCh38, chr11:65,020,496, plus strand): 5'-CCTCCTCATCTTTGCTAATAAGCAGGACCTGCCTGGAGCACTGTCCTCTAACGCCATCCG[C>T]GAGGTGAGTCCAGGCCCCGGGACAGGCTCGCTGAGGGAAAGGGGCATACATTTATTTATT-3'
Protein context (NP_001658.2, residues 129-149): LPGALSSNAI[Arg139=]EVLELDSIRS